The following is an entry in ClinVar:

ClinVar aggregate classification (germline): Benign. Review status: criteria provided, multiple submitters, no conflicts (2 of 4 stars). 2 submissions from 2 submitters: Benign (2). Last evaluated 2018-06-19.

Allele frequency attached by ClinVar (database versions not stated): 1000 Genomes Project 30x 0.70112; 1000 Genomes Project 0.70527; TOPMed 0.73834; gnomAD 0.75611 and 0.76040.
gnomAD v4.1: 115,855 of 152,176 alleles (76%); highest among the groups gnomAD compares: Non-Finnish European, 90%; 46,604 homozygotes.

Submissions (2):

GeneDx
Classification: Benign. Last evaluated: 2018-06-19. Review status: criteria provided, single submitter. Criteria: GeneDx Variant Classification (06012015). Collection method: clinical testing. Allele origin: germline. Affected: yes.
Comment: This variant is considered likely benign or benign based on one or more of the following criteria: it is a conservative change, it occurs at a poorly conserved position in the protein, it is predicted to be benign by multiple in silico algorithms, and/or has population frequency not consistent with disease.

Breakthrough Genomics
Classification: Benign. Review status: criteria provided, single submitter. Criteria: ACMG Guidelines, 2015. Collection method: not provided. Allele origin: germline. Inheritance: Autosomal recessive inheritance. Affected: yes.

NM_152419.3(HGSNAT):c.633+240T>G

Gene: HGSNAT (heparan-alpha-glucosaminide N-acetyltransferase; plus strand). Cytogenetic location: 8p11.21.
Variant type: single nucleotide variant.
Coding change: c.633+240T>G on transcript NM_152419.3 (MANE Select); 240 bases into the intron after coding-DNA position 633, T replaced by G.
Molecular consequence: intron variant.
Genome position (GRCh38, 1-based): chr8:43,169,482, T>G. VCF-style: chr8-43169482-T-G. GRCh37 (hg19) VCF-style: chr8-43024625-T-G.
Other names: c.633+240T>G (NM_001363227.2, NM_001363228.2); c.-201+240T>G (NM_001363229.2).
Identifiers: ClinVar variation 684160 (VCV000684160.2), dbSNP rs4272427, ClinGen allele CA12760662.